The following is an entry in ClinVar:

ClinVar aggregate classification (germline): Uncertain significance (1 of 4 stars; one submission).

Allele frequency attached by ClinVar (database versions not stated): gnomAD 0.00001 and 0.00003; TOPMed 0.00002; gnomAD exomes 0.00008; ExAC 0.00009.
gnomAD v4.1: 82 of 1,614,054 alleles (0.0051%); highest among the groups gnomAD compares: South Asian, 0.074%; no homozygotes.

Submission:

Labcorp Genetics (formerly Invitae), Labcorp
Classification: Uncertain significance. Last evaluated: 2026-01-26. Review status: criteria provided, single submitter. Criteria: Invitae Variant Classification Sherloc (09022015). Collection method: clinical testing. Allele origin: germline.
Comment: This sequence change replaces valine, which is neutral and non-polar, with methionine, which is neutral and non-polar, at codon 570 of the MYLK3 protein (p.Val570Met). This variant is present in population databases (rs766410100, gnomAD 0.06%), and has an allele count higher than expected for a pathogenic variant. This variant has not been reported in the literature in individuals affected with MYLK3-related conditions. ClinVar contains an entry for this variant (Variation ID: 1414141). An algorithm developed to predict the effect of missense changes on protein structure and function outputs the following: PolyPhen-2: "Possibly Damaging". The methionine amino acid residue is found in multiple mammalian species, which suggests that this missense change does not adversely affect protein function. In summary, the available evidence is currently insufficient to determine the role of this variant in disease. Therefore, it has been classified as a Variant of Uncertain Significance.

NM_182493.3(MYLK3):c.1708G>A (p.Val570Met)

Gene: MYLK3 (myosin light chain kinase 3; minus strand). Cytogenetic location: 16q11.2.
Variant type: single nucleotide variant.
Coding change: c.1708G>A on transcript NM_182493.3 (MANE Select); coding-DNA position 1708, G replaced by A.
Protein change: p.Val570Met; replaces valine 570 with methionine.
Molecular consequence: missense variant.
Genome position (GRCh38, 1-based): chr16:46,729,088, C>T on the plus strand (G>A on the coding strand, the complement: MYLK3 is on the minus strand). VCF-style: chr16-46729088-C-T. GRCh37 (hg19) VCF-style: chr16-46763000-C-T.
Other names: c.685G>A, p.Val229Met (NM_001308301.1); short protein forms V229M, V570M.
Identifiers: ClinVar variation 1414141 (VCV001414141.6), dbSNP rs766410100, ClinGen allele CA8037877.
Genomic context (GRCh38, chr16:46,729,088, plus strand): 5'-CCATGACAAGGGTGCAGCTGTGCTTGCTCTCGAAGGCGTCATAGAGCTGGATCAGGTTCA[C>T]GTGGCTGAGCTGGTTCATGATGTTGATCTCGTTCTTCACGTCCTCCTTGGGGGAACCAGA-3'
Protein context (NP_872299.2, residues 560-580): EINIMNQLSH[Val570Met]NLIQLYDAFE